The following is an entry in ClinVar:

ClinVar aggregate classification (germline): Likely benign. Review status: criteria provided, multiple submitters, no conflicts (2 of 4 stars). 3 submissions from 3 submitters: Likely benign (2). 1 of the submissions does not count toward it. Last evaluated 2025-11-13.

Conditions:
STEAP3-related disorder. Also called: STEAP3-related condition.

Allele frequency attached by ClinVar (database versions not stated): 1000 Genomes Project 30x 0.00094; 1000 Genomes Project 0.00100; ESP Exome Variant Server 0.00119; gnomAD 0.00123 and 0.00133; TOPMed 0.00131; gnomAD exomes 0.00150; ExAC 0.00162.
gnomAD v4.1: 3,093 of 1,597,200 alleles (0.19%); highest among the groups gnomAD compares: South Asian, 0.26%; 7 homozygotes.

Submissions (3):

Labcorp Genetics (formerly Invitae), Labcorp
Classification: Likely benign. Last evaluated: 2025-11-13. Review status: criteria provided, single submitter. Criteria: Invitae Variant Classification Sherloc (09022015). Collection method: clinical testing. Allele origin: germline.

Blueprint Genetics
Classification: Likely benign. Last evaluated: 2024-11-19. Review status: criteria provided, single submitter. Criteria: ACMG Guidelines, 2015. Collection method: clinical testing. Allele origin: germline.

PreventionGenetics, part of Exact Sciences
Classification: Likely benign for STEAP3-related condition. Last evaluated: 2019-08-20. Review status: no assertion criteria provided. Collection method: clinical testing. Allele origin: germline. Not counted in ClinVar's aggregate classification.
Comment: This variant is classified as likely benign based on ACMG/AMP sequence variant interpretation guidelines (Richards et al. 2015 PMID: 25741868, with internal and published modifications).

NM_182915.3(STEAP3):c.1019G>A (p.Arg340His)

Genes: STEAP3 (STEAP3 metalloreductase; plus strand), STEAP3-AS1 (STEAP3 antisense RNA 1; minus strand). Cytogenetic location: 2q14.2.
Variant type: single nucleotide variant.
Coding change: c.1019G>A on transcript NM_182915.3 (MANE Select); coding-DNA position 1019, G replaced by A.
Protein change: p.Arg340His; replaces arginine 340 with histidine.
Molecular consequence: missense variant.
Genome position (GRCh38, 1-based): chr2:119,248,175, G>A. VCF-style: chr2-119248175-G-A. GRCh37 (hg19) VCF-style: chr2-120005751-G-A.
Other names: c.989G>A, p.Arg330His (NM_001008410.2, NM_018234.3, NM_138637.3); short protein forms R340H, R330H.
Identifiers: ClinVar variation 708749 (VCV000708749.11), dbSNP rs199836424, ClinGen allele CA1846773.